The following is an entry in ClinVar:

NM_007315.4(STAT1):c.1038-23A>G

Gene: STAT1 (signal transducer and activator of transcription 1; minus strand). Cytogenetic location: 2q32.2.
Variant type: single nucleotide variant.
Coding change: c.1038-23A>G on transcript NM_007315.4 (MANE Select); 23 bases into the intron before coding-DNA position 1038, A replaced by G.
Molecular consequence: intron variant.
Genome position (GRCh38, 1-based): chr2:190,989,697, T>C on the plus strand (A>G on the coding strand, the complement: STAT1 is on the minus strand). VCF-style: chr2-190989697-T-C. GRCh37 (hg19) VCF-style: chr2-191854423-T-C.
Other names: NC_000002.11:g.191854423T>C; c.948-23A>G (NM_001384890.1); c.939-23A>G (NM_001384883.1); c.879-23A>G (NM_001384885.1); c.945-23A>G (NM_001384887.1); c.1037+1531A>G (NM_001384880.1); c.1038-23A>G (NM_001384888.1, NM_001384882.1, NM_001384889.1 and 2 more transcripts); c.1074-23A>G (NM_001384891.1); and 1 more.
Identifiers: ClinVar variation 1280083 (VCV001280083.5), dbSNP rs2066797, ClinGen allele CA2030080.

ClinVar aggregate classification (germline): Benign. Review status: criteria provided, multiple submitters, no conflicts (2 of 4 stars). 3 submissions from 3 submitters: Benign (3). Last evaluated 2024-01-24.

Allele frequency attached by ClinVar (database versions not stated): gnomAD exomes 0.09834 and 0.06597; TOPMed 0.10456; ExAC 0.13108; 1000 Genomes Project 30x 0.13476; 1000 Genomes Project 0.13518; ESP Exome Variant Server 0.07990; gnomAD 0.09338 and 0.09534.
gnomAD v4.1: 107,500 of 1,558,082 alleles (6.9%); highest among the groups gnomAD compares: Admixed American, 18%; 5,261 homozygotes.

Submissions (36):

Unidad de Genómica Garrahan, Hospital de Pediatría Garrahan
Classification: Benign. Last evaluated: 2024-01-24. Review status: criteria provided, single submitter. Criteria: ACMG Guidelines, 2015. Collection method: clinical testing. Allele origin: germline. Affected: no. Observed: 33 variant alleles.
Comment: This variant is classified as Benign based on local population frequency. This variant was detected in 35% of patients studied by a panel of primary immunodeficiencies. Number of patients: 33. Only high quality variants are reported.

GeneDx
Classification: Benign. Last evaluated: 2018-11-12. Review status: criteria provided, single submitter. Criteria: GeneDx Variant Classification Process June 2021. Collection method: clinical testing. Allele origin: germline. Affected: yes.

Breakthrough Genomics
Classification: Benign. Review status: criteria provided, single submitter. Criteria: ACMG Guidelines, 2015. Collection method: not provided. Allele origin: germline. Inheritance: Autosomal recessive inheritance. Affected: yes.

Dr. Peter K. Rogan Lab, Western University
No classification provided (evidence only). Condition: Acute myeloid leukemia. Review status: no classification provided. Collection method: in vitro. Allele origin: not applicable. Functional consequence: skipped exon, retained intron. Not counted in ClinVar's aggregate classification.

Dr. Peter K. Rogan Lab, Western University
No classification provided (evidence only). Condition: Acute myeloid leukemia. Review status: no classification provided. Collection method: in vitro. Allele origin: not applicable. Functional consequence: skipped exon. Not counted in ClinVar's aggregate classification.

Dr. Peter K. Rogan Lab, Western University
No classification provided (evidence only). Condition: Acute myeloid leukemia. Review status: no classification provided. Collection method: in vitro. Allele origin: not applicable. Functional consequence: retained intron. Not counted in ClinVar's aggregate classification.

Dr. Peter K. Rogan Lab, Western University
No classification provided (evidence only). Condition: Acute myeloid leukemia. Review status: no classification provided. Collection method: in vitro. Allele origin: not applicable. Functional consequence: skipped exon. Not counted in ClinVar's aggregate classification.

Dr. Peter K. Rogan Lab, Western University
No classification provided (evidence only). Condition: Malignant lymphoma, large B-cell, diffuse. Review status: no classification provided. Collection method: in vitro. Allele origin: not applicable. Functional consequence: retained intron. Not counted in ClinVar's aggregate classification.

Dr. Peter K. Rogan Lab, Western University
No classification provided (evidence only). Condition: Malignant lymphoma, large B-cell, diffuse. Review status: no classification provided. Collection method: in vitro. Allele origin: not applicable. Functional consequence: retained intron. Not counted in ClinVar's aggregate classification.

Dr. Peter K. Rogan Lab, Western University
No classification provided (evidence only). Condition: Malignant lymphoma, large B-cell, diffuse. Review status: no classification provided. Collection method: in vitro. Allele origin: not applicable. Functional consequence: retained intron. Not counted in ClinVar's aggregate classification.

Dr. Peter K. Rogan Lab, Western University
No classification provided (evidence only). Condition: Malignant lymphoma, large B-cell, diffuse. Review status: no classification provided. Collection method: in vitro. Allele origin: not applicable. Functional consequence: skipped exon, retained intron. Not counted in ClinVar's aggregate classification.

Dr. Peter K. Rogan Lab, Western University
No classification provided (evidence only). Condition: Malignant lymphoma, large B-cell, diffuse. Review status: no classification provided. Collection method: in vitro. Allele origin: not applicable. Functional consequence: skipped exon, retained intron. Not counted in ClinVar's aggregate classification.

Dr. Peter K. Rogan Lab, Western University
No classification provided (evidence only). Condition: Malignant lymphoma, large B-cell, diffuse. Review status: no classification provided. Collection method: in vitro. Allele origin: not applicable. Functional consequence: skipped exon, retained intron. Not counted in ClinVar's aggregate classification.

Dr. Peter K. Rogan Lab, Western University
No classification provided (evidence only). Condition: Malignant lymphoma, large B-cell, diffuse. Review status: no classification provided. Collection method: in vitro. Allele origin: not applicable. Functional consequence: skipped exon. Not counted in ClinVar's aggregate classification.

Dr. Peter K. Rogan Lab, Western University
No classification provided (evidence only). Condition: Hepatocellular carcinoma. Review status: no classification provided. Collection method: in vitro. Allele origin: not applicable. Functional consequence: skipped exon. Not counted in ClinVar's aggregate classification.

Dr. Peter K. Rogan Lab, Western University
No classification provided (evidence only). Condition: Thymoma. Review status: no classification provided. Collection method: in vitro. Allele origin: not applicable. Functional consequence: skipped exon. Not counted in ClinVar's aggregate classification.

Dr. Peter K. Rogan Lab, Western University
No classification provided (evidence only). Condition: Thymoma. Review status: no classification provided. Collection method: in vitro. Allele origin: not applicable. Functional consequence: skipped exon. Not counted in ClinVar's aggregate classification.

Dr. Peter K. Rogan Lab, Western University
No classification provided (evidence only). Condition: Thymoma. Review status: no classification provided. Collection method: in vitro. Allele origin: not applicable. Functional consequence: skipped exon. Not counted in ClinVar's aggregate classification.

Dr. Peter K. Rogan Lab, Western University
No classification provided (evidence only). Condition: Thymoma. Review status: no classification provided. Collection method: in vitro. Allele origin: not applicable. Functional consequence: skipped exon. Not counted in ClinVar's aggregate classification.

Dr. Peter K. Rogan Lab, Western University
No classification provided (evidence only). Condition: Thymoma. Review status: no classification provided. Collection method: in vitro. Allele origin: not applicable. Functional consequence: skipped exon. Not counted in ClinVar's aggregate classification.

Dr. Peter K. Rogan Lab, Western University
No classification provided (evidence only). Condition: Thymoma. Review status: no classification provided. Collection method: in vitro. Allele origin: not applicable. Functional consequence: skipped exon. Not counted in ClinVar's aggregate classification.

Dr. Peter K. Rogan Lab, Western University
No classification provided (evidence only). Condition: Cholangiocarcinoma. Review status: no classification provided. Collection method: in vitro. Allele origin: not applicable. Functional consequence: skipped exon. Not counted in ClinVar's aggregate classification.

Dr. Peter K. Rogan Lab, Western University
No classification provided (evidence only). Condition: Cholangiocarcinoma. Review status: no classification provided. Collection method: in vitro. Allele origin: not applicable. Functional consequence: skipped exon. Not counted in ClinVar's aggregate classification.

Dr. Peter K. Rogan Lab, Western University
No classification provided (evidence only). Condition: Cholangiocarcinoma. Review status: no classification provided. Collection method: in vitro. Allele origin: not applicable. Functional consequence: skipped exon. Not counted in ClinVar's aggregate classification.

Dr. Peter K. Rogan Lab, Western University
No classification provided (evidence only). Condition: Cholangiocarcinoma. Review status: no classification provided. Collection method: in vitro. Allele origin: not applicable. Functional consequence: skipped exon. Not counted in ClinVar's aggregate classification.

Dr. Peter K. Rogan Lab, Western University
No classification provided (evidence only). Condition: Cholangiocarcinoma. Review status: no classification provided. Collection method: in vitro. Allele origin: not applicable. Functional consequence: skipped exon. Not counted in ClinVar's aggregate classification.

Dr. Peter K. Rogan Lab, Western University
No classification provided (evidence only). Condition: Cholangiocarcinoma. Review status: no classification provided. Collection method: in vitro. Allele origin: not applicable. Functional consequence: skipped exon. Not counted in ClinVar's aggregate classification.

Dr. Peter K. Rogan Lab, Western University
No classification provided (evidence only). Condition: Cholangiocarcinoma. Review status: no classification provided. Collection method: in vitro. Allele origin: not applicable. Functional consequence: skipped exon, retained intron. Not counted in ClinVar's aggregate classification.

Dr. Peter K. Rogan Lab, Western University
No classification provided (evidence only). Condition: Uterine carcinosarcoma. Review status: no classification provided. Collection method: in vitro. Allele origin: not applicable. Functional consequence: skipped exon. Not counted in ClinVar's aggregate classification.

Dr. Peter K. Rogan Lab, Western University
No classification provided (evidence only). Condition: Uterine carcinosarcoma. Review status: no classification provided. Collection method: in vitro. Allele origin: not applicable. Functional consequence: retained intron. Not counted in ClinVar's aggregate classification.

Dr. Peter K. Rogan Lab, Western University
No classification provided (evidence only). Condition: Uterine carcinosarcoma. Review status: no classification provided. Collection method: in vitro. Allele origin: not applicable. Functional consequence: retained intron. Not counted in ClinVar's aggregate classification.

Dr. Peter K. Rogan Lab, Western University
No classification provided (evidence only). Condition: Uterine carcinosarcoma. Review status: no classification provided. Collection method: in vitro. Allele origin: not applicable. Functional consequence: skipped exon, retained intron. Not counted in ClinVar's aggregate classification.

Dr. Peter K. Rogan Lab, Western University
No classification provided (evidence only). Condition: Uterine carcinosarcoma. Review status: no classification provided. Collection method: in vitro. Allele origin: not applicable. Functional consequence: skipped exon, retained intron. Not counted in ClinVar's aggregate classification.

Dr. Peter K. Rogan Lab, Western University
No classification provided (evidence only). Condition: Uterine carcinosarcoma. Review status: no classification provided. Collection method: in vitro. Allele origin: not applicable. Functional consequence: skipped exon. Not counted in ClinVar's aggregate classification.

Dr. Peter K. Rogan Lab, Western University
No classification provided (evidence only). Condition: Uveal melanoma. Review status: no classification provided. Collection method: in vitro. Allele origin: not applicable. Functional consequence: skipped exon, retained intron. Not counted in ClinVar's aggregate classification.

Dr. Peter K. Rogan Lab, Western University
No classification provided (evidence only). Condition: Uveal melanoma. Review status: no classification provided. Collection method: in vitro. Allele origin: not applicable. Functional consequence: skipped exon. Not counted in ClinVar's aggregate classification.